The following is an entry in ClinVar:

NM_004656.4(BAP1):c.1695dup (p.Glu566Ter)

Gene: BAP1 (BRCA1 associated deubiquitinase 1; minus strand). Cytogenetic location: 3p21.1.
Variant type: Duplication.
Coding change: c.1695dup on transcript NM_004656.4 (MANE Select); coding-DNA position 1695, one base duplicated (T; older notation c.1695dupT).
Protein change: p.Glu566Ter; replaces glutamic acid 566 with a stop codon.
Molecular consequence: nonsense.
Genome position (GRCh38, 1-based): chr3:52,403,450, A duplicated on the plus strand (T on the coding strand, the reverse complement: BAP1 is on the minus strand). VCF-style (leftmost placement, unchanged base first): chr3-52403449-C-CA. GRCh37 (hg19) VCF-style: chr3-52437465-C-CA.
Other names: c.1695dup (LRG_529t1, NM_004656.3); c.1695dupT (NM_004656.3, NM_004656.2); short protein forms E566*.
Identifiers: ClinVar variation 485270 (VCV000485270.13), dbSNP rs1553644815, ClinGen allele CA658657307.

ClinVar aggregate classification (germline): Pathogenic. Review status: criteria provided, multiple submitters, no conflicts (2 of 4 stars). 4 submissions from 4 submitters: Pathogenic (4). Last evaluated 2025-01-30.

Conditions:
Hereditary cancer-predisposing syndrome. Also called: Neoplastic Syndromes, Hereditary; Tumor predisposition; Hereditary Cancer Syndrome; Hereditary neoplastic syndrome. Identifiers: Orphanet 140162, MedGen C0027672, MeSH D009386, MONDO:0015356.
BAP1-related tumor predisposition syndrome (TPDS1). Also called: Tumor susceptibility linked to germline BAP1 mutations; BAP1 tumor predisposition syndrome; COMMON Syndrome; TUMOR PREDISPOSITION SYNDROME 1. Identifiers: Orphanet 289539, MedGen C3280492, MONDO:0013692, OMIM 614327.

Submissions (4):

Labcorp Genetics (formerly Invitae), Labcorp
Classification: Pathogenic for BAP1-related tumor predisposition syndrome. Last evaluated: 2025-01-30. Review status: criteria provided, single submitter. Criteria: Invitae Variant Classification Sherloc (09022015). Collection method: clinical testing. Allele origin: germline.
Comment: This sequence change creates a premature translational stop signal (p.Glu566*) in the BAP1 gene. It is expected to result in an absent or disrupted protein product. Loss-of-function variants in BAP1 are known to be pathogenic (PMID: 21874000, 23684012). This variant is not present in population databases (gnomAD no frequency). This premature translational stop signal has been observed in individual(s) with malignant mesothelioma and uveal melanoma (PMID: 26719535, 30477459). ClinVar contains an entry for this variant (Variation ID: 485270). For these reasons, this variant has been classified as Pathogenic.

Quest Diagnostics Nichols Institute San Juan Capistrano
Classification: Pathogenic. Last evaluated: 2024-02-13. Review status: criteria provided, single submitter. Criteria: Quest Diagnostics criteria. Collection method: clinical testing. Allele origin: unknown.
Comment: The BAP1 c.1695dup (p.Glu566*) variant alters the translational reading frame of the BAP1 mRNA and causes the premature termination of BAP1 protein synthesis. This variant has been reported in the published literature in individuals with malignant mesothelioma and uveal melanoma (PMIDs: 26719535 (2016) and 30477459 (2018)). This variant has not been reported in large, multi-ethnic general populations (Genome Aggregation Database). Based on the available information, this variant is classified as pathogenic.

Ambry Genetics
Classification: Pathogenic for Hereditary cancer-predisposing syndrome. Last evaluated: 2023-11-29. Review status: criteria provided, single submitter. Criteria: Ambry Variant Classification Scheme 2023. Collection method: clinical testing. Allele origin: germline.
Comment: The c.1695dupT pathogenic mutation, located in coding exon 13 of the BAP1 gene, results from a duplication of T at nucleotide position 1695, causing a translational frameshift with a predicted alternate stop codon (p.E566*). This variant is considered to be rare based on population cohorts in the Genome Aggregation Database (gnomAD). This alteration is expected to result in loss of function by premature protein truncation or nonsense-mediated mRNA decay. As such, this alteration is interpreted as a disease-causing mutation.

Myriad Genetics, Inc.
Classification: Pathogenic for BAP1-related tumor predisposition syndrome. Last evaluated: 2023-07-19. Review status: criteria provided, single submitter. Criteria: Myriad Autosomal Dominant, Autosomal Recessive and X-Linked Classification Criteria (2023). Collection method: clinical testing. Allele origin: unknown.
Comment: This variant is considered pathogenic. This variant creates a termination codon and is predicted to result in premature protein truncation.

Literature cited by the submitters: PubMed 21874000 (cited by Labcorp Genetics (formerly Invitae), Labcorp); PubMed 23684012 (cited by Labcorp Genetics (formerly Invitae), Labcorp); PubMed 26719535 (cited by Labcorp Genetics (formerly Invitae), Labcorp and Quest Diagnostics Nichols Institute San Juan Capistrano); PubMed 30477459 (cited by Labcorp Genetics (formerly Invitae), Labcorp and Quest Diagnostics Nichols Institute San Juan Capistrano).